The following is an entry in ClinVar:

NM_023067.4(FOXL2):c.389T>A (p.Leu130Gln)

Gene: FOXL2 (forkhead box L2; minus strand). Cytogenetic location: 3q22.3.
Variant type: single nucleotide variant.
Coding change: c.389T>A on transcript NM_023067.4 (MANE Select); coding-DNA position 389, T replaced by A.
Protein change: p.Leu130Gln; replaces leucine 130 with glutamine.
Molecular consequence: missense variant.
Genome position (GRCh38, 1-based): chr3:138,946,334, A>T on the plus strand (T>A on the coding strand, the complement: FOXL2 is on the minus strand). VCF-style: chr3-138946334-A-T. GRCh37 (hg19) VCF-style: chr3-138665176-A-T.
Other names: short protein forms L130Q.
Identifiers: ClinVar variation 369910 (VCV000369910.1), dbSNP rs1057516160, ClinGen allele CA10654885.

ClinVar aggregate classification (germline): Uncertain significance (1 of 4 stars; one submission).

Conditions:
Blepharophimosis, ptosis, and epicanthus inversus syndrome. Identifiers: Orphanet 126, MedGen C0220663, MONDO:0007201, OMIM 110100.

Submission:

Genomic Diagnostic Laboratory, Division of Genomic Diagnostics, Children's Hospital of Philadelphia
Classification: Uncertain significance for Blepharophimosis, ptosis, and epicanthus inversus syndrome. Last evaluated: 2016-11-03. Review status: criteria provided, single submitter. Criteria: DGD Variant Analysis Guidelines. Collection method: clinical testing. Allele origin: germline. Affected: yes. Observed: 1 variant allele.
Comment: Clinical Testing